The following is an entry in ClinVar:

NM_000077.5(CDKN2A):c.471A>C (p.Ter157Cys)

Gene: CDKN2A (cyclin dependent kinase inhibitor 2A; minus strand). Cytogenetic location: 9p21.3.
Variant type: single nucleotide variant.
Coding change: c.471A>C on transcript NM_000077.5; coding-DNA position 471, A replaced by C.
Protein change: p.Ter157Cys.
Molecular consequence: stop lost (on NM_000077.6). On other transcripts: 3 prime UTR variant (3).
Genome position (GRCh38, 1-based): chr9:21,968,229, T>G on the plus strand (A>C on the coding strand, the complement: CDKN2A is on the minus strand). VCF-style: chr9-21968229-T-G. GRCh37 (hg19) VCF-style: chr9-21968228-T-G.
Other names: *157C; *106C; c.471A>C, p.Ter157Cys (NM_000077.6); c.*164A>C (NM_001195132.2); c.318A>C, p.Ter106Cys (NM_001363763.2); c.*115A>C (NM_058195.4); c.*394A>C (NM_058197.5).
Identifiers: ClinVar variation 825120 (VCV000825120.5), dbSNP rs1587325182, ClinGen allele CA373085051.

ClinVar aggregate classification (germline): Uncertain significance (1 of 4 stars; one submission).

Conditions:
Hereditary cancer-predisposing syndrome. Also called: Neoplastic Syndromes, Hereditary; Tumor predisposition; Hereditary Cancer Syndrome; Hereditary neoplastic syndrome. Identifiers: Orphanet 140162, MedGen C0027672, MeSH D009386, MONDO:0015356.

Submission:

Ambry Genetics
Classification: Uncertain significance for Hereditary cancer-predisposing syndrome. Last evaluated: 2025-05-20. Review status: criteria provided, single submitter. Criteria: Ambry Variant Classification Scheme 2023. Collection method: clinical testing. Allele origin: germline.
Comment: The c.471A>C variant (also known as p.*157Cext*13), located in coding exon 3 of the CDKN2A gene, results from an A to C substitution at nucleotide position 471, which is the last nucleotide of the CDKN2A gene. The stop codon at position 157 is replaced by cysteine, resulting in an elongation of the protein by 13 amino acids. The exact functional impact of these inserted amino acids is unknown at this time. Based on the available evidence, the clinical significance of this variant remains unclear.